The following is an entry in ClinVar:

NM_000535.7(PMS2):c.1064T>G (p.Leu355Ter)

Gene: PMS2 (PMS1 homolog 2, mismatch repair system component; minus strand). Cytogenetic location: 7p22.1.
Variant type: single nucleotide variant.
Coding change: c.1064T>G on transcript NM_000535.7 (MANE Select); coding-DNA position 1064, T replaced by G.
Protein change: p.Leu355Ter; replaces leucine 355 with a stop codon.
Molecular consequence: nonsense. On other transcripts: non-coding transcript variant (1), intron variant (2).
Genome position (GRCh38, 1-based): chr7:5,989,880, A>C on the plus strand (T>G on the coding strand, the complement: PMS2 is on the minus strand). VCF-style: chr7-5989880-A-C. GRCh37 (hg19) VCF-style: chr7-6029511-A-C.
Other names: c.659T>G, p.Leu220Ter (NM_001322003.2, NM_001322004.2, NM_001322005.2 and 1 more transcripts); c.746T>G, p.Leu249Ter (NM_001322007.2, NM_001322008.2); c.131T>G, p.Leu44Ter (NM_001322011.2, NM_001322012.2); c.491T>G, p.Leu164Ter (NM_001322013.2); c.1064T>G, p.Leu355Ter (NM_001322014.2); c.755T>G, p.Leu252Ter (NM_001322015.2); c.583+2093T>G (NM_001322010.2); c.988+2093T>G (NM_001322006.2); short protein forms L220*, L355*, L44*, L249*, L252*, L164*.
Identifiers: ClinVar variation 962084 (VCV000962084.7), dbSNP rs1783532593, ClinGen allele CA366742884.

ClinVar aggregate classification (germline): Pathogenic (1 of 4 stars; one submission).

Conditions:
Hereditary nonpolyposis colorectal neoplasms. Identifiers: MedGen C0009405, MeSH D003123.

Submission:

Labcorp Genetics (formerly Invitae), Labcorp
Classification: Pathogenic for Hereditary nonpolyposis colorectal neoplasms. Last evaluated: 2019-10-24. Review status: criteria provided, single submitter. Criteria: Invitae Variant Classification Sherloc (09022015). Collection method: clinical testing. Allele origin: germline.
Comment: For these reasons, this variant has been classified as Pathogenic. Loss-of-function variants in PMS2 are known to be pathogenic (PMID: 21376568, 24362816). This variant has not been reported in the literature in individuals with PMS2-related conditions. This variant is not present in population databases (ExAC no frequency). This sequence change creates a premature translational stop signal (p.Leu355*) in the PMS2 gene. It is expected to result in an absent or disrupted protein product.

Literature cited by the submitters: PubMed 21376568; PubMed 24362816.